The following is an entry in ClinVar:

ClinVar aggregate classification (germline): Pathogenic. Review status: criteria provided, single submitter (1 of 4 stars). 2 submissions from 2 submitters: Pathogenic (1). 1 of the submissions does not count toward it. Last evaluated 2024-07-08.

Conditions:
Type II complement component 8 deficiency. Also called: C8B DEFICIENCY; COMPLEMENT COMPONENT 8B DEFICIENCY; COMPLEMENT C8 DEFICIENCY, TYPE II; C8 BETA DEFICIENCY. Identifiers: MedGen C3151080, MONDO:0013421, OMIM 613789.

Submissions (2):

Labcorp Genetics (formerly Invitae), Labcorp
Classification: Pathogenic. Last evaluated: 2024-07-08. Review status: criteria provided, single submitter. Criteria: Invitae Variant Classification Sherloc (09022015). Collection method: clinical testing. Allele origin: germline.
Comment: This sequence change creates a premature translational stop signal (p.Asn113Thrfs*22) in the C8B gene. It is expected to result in an absent or disrupted protein product. Loss-of-function variants in C8B are known to be pathogenic (PMID: 7594510). This variant is present in population databases (rs372968576, gnomAD 0.006%). This premature translational stop signal has been observed in individual(s) with C8 beta deficiency (PMID: 7594510). This variant is also known as deletion at base 430. ClinVar contains an entry for this variant (Variation ID: 35595). For these reasons, this variant has been classified as Pathogenic.

OMIM
Classification: Pathogenic for COMPLEMENT C8 DEFICIENCY, TYPE II. Last evaluated: 2009-09-01. Review status: no assertion criteria provided. Collection method: literature only. Allele origin: germline. Not counted in ClinVar's aggregate classification.

Literature cited by the submitters: PubMed 7594510 (cited by Labcorp Genetics (formerly Invitae), Labcorp and OMIM); PubMed 19434484 (cited by OMIM).

NM_000066.4(C8B):c.336del (p.Asn113fs)

Gene: C8B (complement C8 beta chain; minus strand). Cytogenetic location: 1p32.2.
Variant type: Deletion.
Coding change: c.336del on transcript NM_000066.4 (MANE Select); coding-DNA position 336, one base deleted (C; older notation c.336delC).
Protein change: p.Asn113fs; shifts the reading frame from asparagine 113.
Molecular consequence: frameshift variant.
Genome position (GRCh38, 1-based): chr1:56,956,824, G deleted on the plus strand (C on the coding strand, the reverse complement: C8B is on the minus strand); the first of 2 consecutive G bases (chr1:56,956,824-56,956,825); deleting either gives the same sequence. VCF-style (leftmost placement, unchanged base first): chr1-56956823-TG-T. GRCh37 (hg19) VCF-style: chr1-57422496-TG-T.
Other names: C8B, 1-BP DEL, 336C; c.180del, p.Asn61fs (NM_001278543.2); c.150del, p.Asn51fs (NM_001278544.2); short protein forms N51fs, N61fs, N113fs.
Identifiers: ClinVar variation 35595 (VCV000035595.6), dbSNP rs372968576, ClinGen allele CA210871.
Genomic context (GRCh38, chr1:56,956,823, plus strand): 5'-TTATACCTGTCTGTGCACACACAAAGCCTTCACATCGCACTTGACTTCCGCATGGTCTGT[TG>T]GTAACACAGTCTTCGACTTCCTTGTCAGAGAAGTTGCACGGTTCCCCATGGAACTGAGAG-3'